The following is an entry in ClinVar:

NM_015512.5(DNAH1):c.4080C>G (p.Ile1360Met)

Gene: DNAH1 (dynein axonemal heavy chain 1; plus strand). Cytogenetic location: 3p21.1.
Variant type: single nucleotide variant.
Coding change: c.4080C>G on transcript NM_015512.5 (MANE Select); coding-DNA position 4080, C replaced by G.
Protein change: p.Ile1360Met; replaces isoleucine 1360 with methionine.
Molecular consequence: missense variant.
Genome position (GRCh38, 1-based): chr3:52,357,997, C>G. VCF-style: chr3-52357997-C-G. GRCh37 (hg19) VCF-style: chr3-52392013-C-G.
Other names: short protein forms I1360M.
Identifiers: ClinVar variation 2933251 (VCV002933251.2), dbSNP rs199624371, ClinGen allele CA2433792.
Genomic context (GRCh38, chr3:52,357,997, plus strand): 5'-GTCGCAGACAAAGGACCCCACGGCCGTGCAGCCACACCTGCGCAAGTGCTTCGAGAACAT[C>G]GCTCGGGTGGGCAGCTGGGCCCGGGGCTCAGGGCTGGGAGCATGGGGCATCTTCCCAGGG-3'
Protein context (NP_056327.4, residues 1350-1370): QPHLRKCFEN[Ile1360Met]ARLLFQEDLE

ClinVar aggregate classification (germline): Uncertain significance (1 of 4 stars; one submission).

Conditions:
Spermatogenic failure 18. Identifiers: MedGen C4539783, MONDO:0054615, OMIM 617576.
Ciliary dyskinesia, primary, 37 (CILD37). Also called: CILIARY DYSKINESIA, PRIMARY, 37, WITH OR WITHOUT SITUS INVERSUS. Identifiers: MedGen C4539798, MONDO:0033204, OMIM 617577.

Submission:

Labcorp Genetics (formerly Invitae), Labcorp
Classification: Uncertain significance for Ciliary dyskinesia, primary, 37; Spermatogenic failure 18. Last evaluated: 2023-11-13. Review status: criteria provided, single submitter. Criteria: Invitae Variant Classification Sherloc (09022015). Collection method: clinical testing. Allele origin: germline.
Comment: This sequence change replaces isoleucine, which is neutral and non-polar, with methionine, which is neutral and non-polar, at codon 1360 of the DNAH1 protein (p.Ile1360Met). This variant is present in population databases (rs199624371, gnomAD 0.006%). This variant has not been reported in the literature in individuals affected with DNAH1-related conditions. Advanced modeling of protein sequence and biophysical properties (such as structural, functional, and spatial information, amino acid conservation, physicochemical variation, residue mobility, and thermodynamic stability) performed at Invitae indicates that this missense variant is not expected to disrupt DNAH1 protein function with a negative predictive value of 80%. In summary, the available evidence is currently insufficient to determine the role of this variant in disease. Therefore, it has been classified as a Variant of Uncertain Significance.